The following is an entry in ClinVar:

NM_005327.7(HADH):c.715G>T (p.Ala239Ser)

Gene: HADH (hydroxyacyl-CoA dehydrogenase; plus strand). Cytogenetic location: 4q25.
Variant type: single nucleotide variant.
Coding change: c.715G>T on transcript NM_005327.7 (MANE Select); coding-DNA position 715, G replaced by T.
Protein change: p.Ala239Ser; replaces alanine 239 with serine.
Molecular consequence: missense variant.
Genome position (GRCh38, 1-based): chr4:108,033,181, G>T. VCF-style: chr4-108033181-G-T. GRCh37 (hg19) VCF-style: chr4-108954337-G-T.
Other names: c.715G>T (NM_005327.4); c.766G>T, p.Ala256Ser (NM_001184705.4); c.727G>T, p.Ala243Ser (NM_001331027.2); short protein forms A239S, A256S, A243S.
Identifiers: ClinVar variation 1434316 (VCV001434316.3), dbSNP rs746680125, ClinGen allele CA3037615.
Genomic context (GRCh38, chr4:108,033,181, plus strand): 5'-TAGGGAGAATTCAAGGAAAGGTGGTGGTGACCCAGTGCTGCCGTTTTCTCCTTAGGTGAC[G>T]CATCCAAAGAAGACATTGACACTGCTATGAAATTAGGAGCCGGTTACCCCATGGGCCCAT-3'
Protein context (NP_005318.6, residues 229-249): EAIRLYERGD[Ala239Ser]SKEDIDTAMK

ClinVar aggregate classification (germline): Uncertain significance. Review status: criteria provided, multiple submitters, no conflicts (2 of 4 stars). 2 submissions from 2 submitters: Uncertain significance (2). Last evaluated 2023-01-10.

Conditions:
Deficiency of 3-hydroxyacyl-CoA dehydrogenase. Also called: 3-hydroxyacyl-CoA dehydrogenase deficiency; HADH DEFICIENCY. Identifiers: Orphanet 309127, Orphanet 71212, MedGen C1291230, MONDO:0017715, OMIM 231530.

gnomAD v4.1: 8 of 1,558,858 alleles (0.00051%); highest among the groups gnomAD compares: African/African-American, 0.0095%; no homozygotes.

Submissions (2):

GeneDx
Classification: Uncertain significance. Last evaluated: 2023-01-10. Review status: criteria provided, single submitter. Criteria: GeneDx Variant Classification Process June 2021. Collection method: clinical testing. Allele origin: germline. Affected: yes.
Comment: Not observed at significant frequency in large population cohorts (gnomAD); In silico analysis supports that this missense variant does not alter protein structure/function; Has not been previously published as pathogenic or benign to our knowledge

Labcorp Genetics (formerly Invitae), Labcorp
Classification: Uncertain significance for Deficiency of 3-hydroxyacyl-CoA dehydrogenase. Last evaluated: 2022-08-20. Review status: criteria provided, single submitter. Criteria: Invitae Variant Classification Sherloc (09022015). Collection method: clinical testing. Allele origin: germline.
Comment: This sequence change replaces alanine, which is neutral and non-polar, with serine, which is neutral and polar, at codon 239 of the HADH protein (p.Ala239Ser). This variant is present in population databases (rs746680125, gnomAD 0.007%). This variant has not been reported in the literature in individuals affected with HADH-related conditions. ClinVar contains an entry for this variant (Variation ID: 1434316). Algorithms developed to predict the effect of missense changes on protein structure and function are either unavailable or do not agree on the potential impact of this missense change (SIFT: "Deleterious"; PolyPhen-2: "Probably Damaging"; Align-GVGD: "Class C0"). In summary, the available evidence is currently insufficient to determine the role of this variant in disease. Therefore, it has been classified as a Variant of Uncertain Significance.